The following is an entry in ClinVar:

ClinVar aggregate classification (germline): Likely pathogenic (1 of 4 stars; one submission).

Submission:

GeneDx
Classification: Likely pathogenic. Last evaluated: 2014-10-06. Review status: criteria provided, single submitter. Criteria: GeneDx Variant Classification (06012015). Collection method: clinical testing. Allele origin: germline. Affected: yes.
Comment: p.Asn1365Asp (AAC>GAC): c.4093 A>G in exon 30 of the MYH7 gene (NM_000257.2). A N1365D variant that is likely pathogenic was identified in the MYH7 gene. It has not been published as a mutation, nor has it been reported as a benign polymorphism to our knowledge. The N1365D variant was not observed in approximately 6,500 individuals of European and African American ancestry in the NHLBI Exome Sequencing Project, indicating it is not a common benign variant in these populations. The N1365D variant is a semi-conservative amino acid substitution, which may impact secondary protein structure as these residues differ in some properties. This substitution occurs at a position that is conserved across species. In silico analysis predicts this variant is probably damaging to the protein structure/function. Missense mutations in nearby residues (E1356Q, E1356K, R1359C, T1377M) have been reported in association with cardiomyopathy, supporting the functional importance of this region of the protein. Therefore, this variant is a strong candidate for a pathogenic mutation, however the possibility that it is a benign variant cannot be excluded. The variant is found in CARDIOMYOPATHY panel(s).

NM_000257.4(MYH7):c.4093A>G (p.Asn1365Asp)

Gene: MYH7 (myosin heavy chain 7; minus strand). Cytogenetic location: 14q11.2.
Variant type: single nucleotide variant.
Coding change: c.4093A>G on transcript NM_000257.4 (MANE Select); coding-DNA position 4093, A replaced by G.
Protein change: p.Asn1365Asp; replaces asparagine 1365 with aspartic acid.
Molecular consequence: missense variant.
Genome position (GRCh38, 1-based): chr14:23,418,286, T>C on the plus strand (A>G on the coding strand, the complement: MYH7 is on the minus strand). VCF-style: chr14-23418286-T-C. GRCh37 (hg19) VCF-style: chr14-23887495-T-C.
Other names: p.N1365D:AAC>GAC; c.4093A>G (LRG_384t1); short protein forms N1365D.
Identifiers: ClinVar variation 181386 (VCV000181386.2), dbSNP rs730880907, ClinGen allele CA014452.
Genomic context (GRCh38, chr14:23,418,286, plus strand): 5'-CCTCAGTCCGCTGAATGGCGTCCGTCTCATACTTGGTCCTCCACTGGGCCACCTCCGAGT[T>C]GGCCTTGGAAAGGACGCGCTGCAGCTCGGCCTTGGCCTCCGTCTCCTCCTCGTACTGCTC-3'
Protein context (NP_000248.2, residues 1355-1375): AELQRVLSKA[Asn1365Asp]SEVAQWRTKY